The following is an entry in ClinVar:

ClinVar aggregate classification (germline): Benign/Likely benign. Review status: criteria provided, multiple submitters, no conflicts (2 of 4 stars). 3 submissions from 3 submitters: Benign (1); Likely benign (2). Last evaluated 2025-11-21.

Conditions:
Familial cancer of breast. Also called: BREAST CANCER, FAMILIAL; Hereditary breast cancer; hereditary breast carcinoma. Identifiers: Orphanet 227535, MedGen C0346153, MONDO:0016419, OMIM 114480. Disease mechanism: loss of function.
Hereditary cancer-predisposing syndrome. Also called: Neoplastic Syndromes, Hereditary; Hereditary Cancer Syndrome; Hereditary neoplastic syndrome; Tumor predisposition. Identifiers: Orphanet 140162, MedGen C0027672, MeSH D009386, MONDO:0015356.

Allele frequency attached by ClinVar (database versions not stated): gnomAD exomes below 0.00001 and 0.00001; TOPMed below 0.00001.
gnomAD v4.1: 2 of 1,613,008 alleles (0.00012%); highest among the groups gnomAD compares: Admixed American, 0.0017%; no homozygotes.

Submissions (3):

Labcorp Genetics (formerly Invitae), Labcorp
Classification: Likely benign for Familial cancer of breast. Last evaluated: 2025-11-21. Review status: criteria provided, single submitter. Criteria: Invitae Variant Classification Sherloc (09022015). Collection method: clinical testing. Allele origin: germline.

Myriad Genetics, Inc.
Classification: Benign for Familial cancer of breast. Last evaluated: 2025-01-09. Review status: criteria provided, single submitter. Criteria: Myriad Autosomal Dominant, Autosomal Recessive and X-Linked Classification Criteria (2023). Collection method: clinical testing. Allele origin: unknown.
Comment: This variant is considered benign. This variant is a silent/synonymous amino acid change and it is not expected to impact splicing.

Ambry Genetics
Classification: Likely benign for Hereditary cancer-predisposing syndrome. Last evaluated: 2022-04-08. Review status: criteria provided, single submitter. Criteria: Ambry Variant Classification Scheme 2023. Collection method: clinical testing. Allele origin: germline.

NM_024675.4(PALB2):c.6C>T (p.Asp2=)

Gene: PALB2 (partner and localizer of BRCA2; minus strand). Cytogenetic location: 16p12.2.
Variant type: single nucleotide variant.
Coding change: c.6C>T on transcript NM_024675.4 (MANE Select); coding-DNA position 6, C replaced by T.
Protein change: p.Asp2=; no amino-acid change (aspartic acid 2 retained).
Molecular consequence: synonymous variant.
Genome position (GRCh38, 1-based): chr16:23,641,152, G>A on the plus strand (C>T on the coding strand, the complement: PALB2 is on the minus strand). VCF-style: chr16-23641152-G-A. GRCh37 (hg19) VCF-style: chr16-23652473-G-A.
Identifiers: ClinVar variation 461016 (VCV000461016.14), dbSNP rs1302088447, ClinGen allele CA494168506.